The following is an entry in ClinVar:

ClinVar aggregate classification (germline): Uncertain significance. Review status: criteria provided, multiple submitters, no conflicts (2 of 4 stars). 2 submissions from 2 submitters: Uncertain significance (2). Last evaluated 2025-03-06.

Conditions:
Seizures, benign familial neonatal, 2. Also called: Benign Neonatal Epilepsy 2; CONVULSIONS, BENIGN FAMILIAL NEONATAL, 2; Seizures, benign neonatal, 2; KCNQ3-Related Benign Familial Neonatal Epilepsy; KCNQ3-Related Self-Limited Familial Neonatal Epilepsy (SLFNE). Identifiers: Orphanet 1949, MedGen C1852581, MONDO:0007366, OMIM 121201.
Benign neonatal seizures. Also called: Benign familial neonatal seizures; Benign neonatal familial convulsions; Convulsions benign familial neonatal dominant form; Autosomal dominant form of benign neonatal seizures; Benign familial neonatal epilepsy. Identifiers: Orphanet 1949, MedGen C0220669, MONDO:0016027.

Allele frequency attached by ClinVar (database versions not stated): TOPMed below 0.00001; gnomAD 0.00001.
gnomAD v4.1: 14 of 1,610,900 alleles (0.00087%); highest among the groups gnomAD compares: Middle Eastern, 0.033%; no homozygotes.

Submissions (2):

Labcorp Genetics (formerly Invitae), Labcorp
Classification: Uncertain significance for Benign neonatal seizures. Last evaluated: 2025-03-06. Review status: criteria provided, single submitter. Criteria: Invitae Variant Classification Sherloc (09022015). Collection method: clinical testing. Allele origin: germline.
Comment: This sequence change replaces arginine, which is basic and polar, with cysteine, which is neutral and slightly polar, at codon 528 of the KCNQ3 protein (p.Arg528Cys). This variant is present in population databases (no rsID available, gnomAD 0.0009%). This missense change has been observed in individual(s) with clinical features of KCNQ3-related conditions (PMID: 33004838; internal data). ClinVar contains an entry for this variant (Variation ID: 1034514). Invitae Evidence Modeling of protein sequence and biophysical properties (such as structural, functional, and spatial information, amino acid conservation, physicochemical variation, residue mobility, and thermodynamic stability) indicates that this missense variant is not expected to disrupt KCNQ3 protein function with a negative predictive value of 80%. In summary, the available evidence is currently insufficient to determine the role of this variant in disease. Therefore, it has been classified as a Variant of Uncertain Significance.

Institute of Human Genetics, University of Leipzig Medical Center
Classification: Uncertain significance for Seizures, benign familial neonatal, 2. Last evaluated: 2020-10-13. Review status: criteria provided, single submitter. Criteria: ACMG Guidelines, 2015. Collection method: clinical testing. Allele origin: unknown. Affected: yes.

Literature cited by the submitters: PubMed 33004838 (cited by Labcorp Genetics (formerly Invitae), Labcorp).

NM_004519.4(KCNQ3):c.1582C>T (p.Arg528Cys)

Gene: KCNQ3 (potassium voltage-gated channel subfamily Q member 3; minus strand). Cytogenetic location: 8q24.22.
Variant type: single nucleotide variant.
Coding change: c.1582C>T on transcript NM_004519.4 (MANE Select); coding-DNA position 1582, C replaced by T.
Protein change: p.Arg528Cys; replaces arginine 528 with cysteine.
Molecular consequence: missense variant.
Genome position (GRCh38, 1-based): chr8:132,138,003, G>A on the plus strand (C>T on the coding strand, the complement: KCNQ3 is on the minus strand). VCF-style: chr8-132138003-G-A. GRCh37 (hg19) VCF-style: chr8-133150250-G-A.
Other names: c.1222C>T, p.Arg408Cys (NM_001204824.2); short protein forms R408C, R528C.
Identifiers: ClinVar variation 1034514 (VCV001034514.9), dbSNP rs1393085163, ClinGen allele CA372219335.